The following is an entry in ClinVar:

ClinVar aggregate classification (germline): Uncertain significance (0 of 4 stars; one submission).

Conditions:
SLC40A1-related disorder. Also called: SLC40A1-related condition.

gnomAD v4.1: 12 of 1,613,922 alleles (0.00074%); highest among the groups gnomAD compares: Non-Finnish European, 0.00085%; no homozygotes.

Submission:

PreventionGenetics, part of Exact Sciences
Classification: Uncertain significance for SLC40A1-related condition. Last evaluated: 2024-03-20. Review status: no assertion criteria provided. Collection method: clinical testing. Allele origin: germline.
Comment: The SLC40A1 c.338T>C variant is predicted to result in the amino acid substitution p.Val113Ala. To our knowledge, this variant has not been reported in the literature. This variant is reported in 0.0026% of alleles in individuals of European (Non-Finnish) descent in gnomAD. At this time, the clinical significance of this variant is uncertain due to the absence of conclusive functional and genetic evidence.

NM_014585.6(SLC40A1):c.338T>C (p.Val113Ala)

Gene: SLC40A1 (solute carrier family 40 member 1; minus strand). Cytogenetic location: 2q32.2.
Variant type: single nucleotide variant.
Coding change: c.338T>C on transcript NM_014585.6 (MANE Select); coding-DNA position 338, T replaced by C.
Protein change: p.Val113Ala; replaces valine 113 with alanine.
Molecular consequence: missense variant.
Genome position (GRCh38, 1-based): chr2:189,572,895, A>G on the plus strand (T>C on the coding strand, the complement: SLC40A1 is on the minus strand). VCF-style: chr2-189572895-A-G. GRCh37 (hg19) VCF-style: chr2-190437621-A-G.
Other names: short protein forms V113A.
Identifiers: ClinVar variation 3350659 (VCV003350659.1).